The following is an entry in ClinVar:

NM_000448.3(RAG1):c.270del (p.Lys90fs)

Gene: RAG1 (recombination activating 1; plus strand). Cytogenetic location: 11p12.
Variant type: Deletion.
Coding change: c.270del on transcript NM_000448.3 (MANE Select); coding-DNA position 270, one base deleted (A; older notation c.270delA).
Protein change: p.Lys90fs; shifts the reading frame from lysine 90.
Molecular consequence: frameshift variant.
Genome position (GRCh38, 1-based): chr11:36,573,574, A deleted; the last of 3 consecutive A bases (chr11:36,573,572-36,573,574); deleting any one gives the same sequence. VCF-style (leftmost placement, unchanged base first): chr11-36573571-GA-G. GRCh37 (hg19) VCF-style: chr11-36595121-GA-G.
Other names: c.270del, p.Lys90fs (NM_001377277.1, NM_001377278.1, NM_001377279.1 and 1 more transcripts); short protein forms K90fs.
Identifiers: ClinVar variation 3759905 (VCV003759905.2).
Genomic context (GRCh38, chr11:36,573,571, plus strand): 5'-TGATGGTCAGAAGCCAGTCCCAACTCAGCCATTGTTAAAAGCCCACCCTAAGTTTTCAAA[GA>G]AATTTCACGACAACGAGAAAGCAAGAGGCAAAGCGATCCATCAAGCCAACCTTCGACATC-3'

ClinVar aggregate classification (germline): Pathogenic (1 of 4 stars; one submission).

Conditions:
Combined immunodeficiency with skin granulomas. Identifiers: Orphanet 157949, MedGen C2673536, MONDO:0009306, OMIM 233650.
Severe combined immunodeficiency, autosomal recessive, T cell-negative, B cell-negative, NK cell-positive. Also called: SCID, AR, T-cell negative, B-cell negative, NK cell-positive; SCID, T CELL-NEGATIVE, B CELL-NEGATIVE, NK CELL-POSITIVE; Severe combined immunodeficiency due to complete RAG1/2 deficiency. Identifiers: Orphanet 331206, MedGen C1832322, MONDO:0011086, OMIM 601457.

Submission:

Labcorp Genetics (formerly Invitae), Labcorp
Classification: Pathogenic for Combined immunodeficiency with skin granulomas; Severe combined immunodeficiency, autosomal recessive, T cell-negative, B cell-negative, NK cell-positive. Last evaluated: 2025-01-30. Review status: criteria provided, single submitter. Criteria: Invitae Variant Classification Sherloc (09022015). Collection method: clinical testing. Allele origin: germline.
Comment: This sequence change creates a premature translational stop signal (p.Lys90Asnfs*49) in the RAG1 gene. While this is not anticipated to result in nonsense mediated decay, it is expected to disrupt the last 954 amino acid(s) of the RAG1 protein. This variant is not present in population databases (gnomAD no frequency). This variant has not been reported in the literature in individuals affected with RAG1-related conditions. This variant disrupts a region of the RAG1 protein in which other variant(s) (p.Trp959*) have been determined to be pathogenic (PMID: 11133745, 24290284, 24406074). This suggests that this is a clinically significant region of the protein, and that variants that disrupt it are likely to be disease-causing. For these reasons, this variant has been classified as Pathogenic.

Literature cited by the submitters: PubMed 11133745; PubMed 24290284; PubMed 24406074.